The following is an entry in ClinVar:

ClinVar aggregate classification (germline): Likely benign. Review status: criteria provided, multiple submitters, no conflicts (2 of 4 stars). 2 submissions from 2 submitters: Likely benign (2). Last evaluated 2025-11-25.

Conditions:
Hajdu-Cheney syndrome (HJCYS). Also called: ACROOSTEOLYSIS WITH OSTEOPOROSIS AND CHANGES IN SKULL AND MANDIBLE; SERPENTINE FIBULA-POLYCYSTIC KIDNEY SYNDROME; Acroosteolysis dominant type. Identifiers: Orphanet 955, MedGen C0917715, MONDO:0007057, OMIM 102500.
NOTCH2-related disorder. Also called: NOTCH2-related condition.

gnomAD v4.1: 15 of 1,603,246 alleles (0.00094%); highest among the groups gnomAD compares: Middle Eastern, 0.017%; no homozygotes.

Submissions (2):

Labcorp Genetics (formerly Invitae), Labcorp
Classification: Likely benign for Hajdu-Cheney syndrome. Last evaluated: 2025-11-25. Review status: criteria provided, single submitter. Criteria: Invitae Variant Classification Sherloc (09022015). Collection method: clinical testing. Allele origin: germline.

PreventionGenetics, part of Exact Sciences
Classification: Likely benign for NOTCH2-related condition. Last evaluated: 2025-05-28. Review status: criteria provided, single submitter. Criteria: ACMG Guidelines, 2015. Collection method: clinical testing. Allele origin: germline.
Comment: This variant is classified as likely benign based on ACMG/AMP sequence variant interpretation guidelines (Richards et al. 2015 PMID: 25741868, with internal and published modifications).

NM_024408.4(NOTCH2):c.1681+10T>G

Gene: NOTCH2 (notch receptor 2; minus strand). Cytogenetic location: 1p12.
Variant type: single nucleotide variant.
Coding change: c.1681+10T>G on transcript NM_024408.4 (MANE Select); 10 bases into the intron after coding-DNA position 1681, T replaced by G.
Molecular consequence: intron variant.
Genome position (GRCh38, 1-based): chr1:119,965,443, A>C on the plus strand (T>G on the coding strand, the complement: NOTCH2 is on the minus strand). VCF-style: chr1-119965443-A-C. GRCh37 (hg19) VCF-style: chr1-120508066-A-C.
Other names: c.1681+10T>G (NM_024408.3, NM_001200001.2).
Identifiers: ClinVar variation 3670657 (VCV003670657.3).
Genomic context (GRCh38, chr1:119,965,443, plus strand): 5'-GGACAGGGACAATCACCCTATTTTGTTCAGATGGACCTACCAAGGAGATGAAAAGTGAGA[A>C]GAATCTTACCTGTGGCACACTGGCATTCATAGCCATTCGGGTGATCGATACACTTTGCCC-3'